The following is an entry in ClinVar:

ClinVar aggregate classification (germline): Uncertain significance (1 of 4 stars; one submission).

Submission:

Ambry Genetics
Classification: Uncertain significance. Last evaluated: 2022-11-25. Review status: criteria provided, single submitter. Criteria: Ambry Variant Classification Scheme 2023. Collection method: clinical testing. Allele origin: germline.
Comment: The p.P4T variant (also known as c.10C>A), located in coding exon 1 of the EGLN2 gene, results from a C to A substitution at nucleotide position 10. The proline at codon 4 is replaced by threonine, an amino acid with highly similar properties. This amino acid position is conserved. In addition, this alteration is predicted to be tolerated by in silico analysis. Since supporting evidence is limited at this time, the clinical significance of this alteration remains unclear.

NM_080732.4(EGLN2):c.10C>A (p.Pro4Thr)

Genes: EGLN2 (egl-9 family hypoxia inducible factor 2; plus strand), RAB4B-EGLN2 (RAB4B-EGLN2 readthrough (NMD candidate); plus strand). Cytogenetic location: 19q13.2.
Variant type: single nucleotide variant.
Coding change: c.10C>A on transcript NM_080732.4 (MANE Select); coding-DNA position 10, C replaced by A.
Protein change: p.Pro4Thr; replaces proline 4 with threonine.
Molecular consequence: missense variant. On other transcripts: non-coding transcript variant (1).
Genome position (GRCh38, 1-based): chr19:40,800,582, C>A. VCF-style: chr19-40800582-C-A. GRCh37 (hg19) VCF-style: chr19-41306487-C-A.
Other names: c.10C>A, p.Pro4Thr (NM_053046.4); short protein forms P4T.
Identifiers: ClinVar variation 2449355 (VCV002449355.2), dbSNP rs760499657, ClinGen allele CA405954376.